The following is an entry in ClinVar:

NM_000435.3(NOTCH3):c.3758A>C (p.Gln1253Pro)

Gene: NOTCH3 (notch receptor 3; minus strand). Cytogenetic location: 19p13.12.
Variant type: single nucleotide variant.
Coding change: c.3758A>C on transcript NM_000435.3 (MANE Select); coding-DNA position 3758, A replaced by C.
Protein change: p.Gln1253Pro; replaces glutamine 1253 with proline.
Molecular consequence: missense variant.
Genome position (GRCh38, 1-based): chr19:15,178,902, T>G on the plus strand (A>C on the coding strand, the complement: NOTCH3 is on the minus strand). VCF-style: chr19-15178902-T-G. GRCh37 (hg19) VCF-style: chr19-15289713-T-G.
Other names: p.Gln1253Pro; c.3758A>C (NM_000435.2); short protein forms Q1253P.
Identifiers: ClinVar variation 444454 (VCV000444454.46), dbSNP rs749611934, ClinGen allele CA9262980.

ClinVar aggregate classification (germline): Conflicting classifications of pathogenicity. Review status: criteria provided, conflicting classifications (1 of 4 stars). 5 submissions from 5 submitters: Uncertain significance (3); Likely benign (2). Last evaluated 2025-10-08.

Allele frequency attached by ClinVar (database versions not stated): TOPMed 0.00005; gnomAD 0.00010.
gnomAD v4.1: 179 of 1,613,014 alleles (0.011%); highest among the groups gnomAD compares: Non-Finnish European, 0.015%; no homozygotes.

Submissions (5):

Mayo Clinic Laboratories, Mayo Clinic
Classification: Likely benign. Last evaluated: 2025-10-08. Review status: criteria provided, single submitter. Criteria: ACMG Guidelines, 2015. Collection method: clinical testing. Allele origin: germline. Observed: 1 variant allele.
Comment: BS2, BP1

GeneDx
Classification: Uncertain significance. Last evaluated: 2025-08-02. Review status: criteria provided, single submitter. Criteria: GeneDx Variant Classification Process June 2021. Collection method: clinical testing. Allele origin: germline. Affected: yes.
Comment: In silico analysis supports that this missense variant has a deleterious effect on protein structure/function; Has not been previously published as pathogenic or benign to our knowledge

Women's Health and Genetics/Laboratory Corporation of America, LabCorp
Classification: Uncertain significance. Last evaluated: 2025-06-19. Review status: criteria provided, single submitter. Criteria: LabCorp Variant Classification Summary - May 2015. Collection method: clinical testing. Allele origin: germline.
Comment: Variant summary: NOTCH3 c.3758A>C (p.Gln1253Pro) results in a non-conservative amino acid change in the encoded protein sequence. Algorithms developed to predict the effect of missense changes on protein structure and function all suggest that this variant is likely to be disruptive. The variant allele was found at a frequency of 6.1e-05 in 246798 control chromosomes (gnomAD). This frequency is not significantly higher than estimated for a pathogenic variant in NOTCH3 causing Cerebral arteriopathy, autosomal dominant, with subcortical infarcts and leukoencephalopathy, type 1 (6.1e-05 vs 6.3e-05), allowing no conclusion about variant significance. To our knowledge, no occurrence of c.3758A>C in individuals affected with Cerebral arteriopathy, autosomal dominant, with subcortical infarcts and leukoencephalopathy, type 1 and no experimental evidence demonstrating its impact on protein function have been reported. ClinVar contains an entry for this variant (Variation ID: 444454). Based on the evidence outlined above, the variant was classified as uncertain significance.

Labcorp Genetics (formerly Invitae), Labcorp
Classification: Likely benign. Last evaluated: 2025-03-19. Review status: criteria provided, single submitter. Criteria: Invitae Variant Classification Sherloc (09022015). Collection method: clinical testing. Allele origin: germline.

CeGaT Center for Human Genetics Tuebingen
Classification: Uncertain significance. Last evaluated: 2017-05-01. Review status: criteria provided, single submitter. Criteria: CeGaT Center For Human Genetics Tuebingen Variant Classification Criteria Version 2. Collection method: clinical testing. Allele origin: germline. Affected: yes. Observed: 1 variant allele.

Literature cited by the submitters: PubMed 36750708 (cited by Mayo Clinic Laboratories, Mayo Clinic).